The following is an entry in ClinVar:

ClinVar aggregate classification (germline): Uncertain significance (1 of 4 stars; one submission).

Conditions:
Chuvash polycythemia. Also called: POLYCYTHEMIA, VHL-DEPENDENT. Identifiers: Orphanet 238557, MedGen C1837915, MONDO:0009892, OMIM 263400.
Von Hippel-Lindau syndrome (VHLS). Also called: von Hippel–Lindau syndrome; Von Hippel-Lindau; VHL syndrome. Identifiers: Orphanet 892, MedGen C0019562, MONDO:0008667, OMIM 193300. Disease mechanism: loss of function.

Submission:

Labcorp Genetics (formerly Invitae), Labcorp
Classification: Uncertain significance for Von Hippel-Lindau syndrome; Chuvash polycythemia. Last evaluated: 2022-09-08. Review status: criteria provided, single submitter. Criteria: Invitae Variant Classification Sherloc (09022015). Collection method: clinical testing. Allele origin: germline.
Comment: In summary, the available evidence is currently insufficient to determine the role of this variant in disease. Therefore, it has been classified as a Variant of Uncertain Significance. Algorithms developed to predict the effect of sequence changes on RNA splicing suggest that this variant is not likely to affect RNA splicing. ClinVar contains an entry for this variant (Variation ID: 1441191). This variant has not been reported in the literature in individuals affected with VHL-related conditions. This variant is not present in population databases (gnomAD no frequency). This sequence change affects codon 113 of the VHL mRNA. It is a 'silent' change, meaning that it does not change the encoded amino acid sequence of the VHL protein. It affects a nucleotide within the consensus splice site.

NM_000551.4(VHL):c.339A>G (p.Arg113=)

Gene: VHL (von Hippel-Lindau tumor suppressor; plus strand). Cytogenetic location: 3p25.3.
Variant type: single nucleotide variant.
Coding change: c.339A>G on transcript NM_000551.4 (MANE Select); coding-DNA position 339, A replaced by G.
Protein change: p.Arg113=; no amino-acid change (arginine 113 retained).
Molecular consequence: synonymous variant.
Genome position (GRCh38, 1-based): chr3:10,142,186, A>G. VCF-style: chr3-10142186-A-G. GRCh37 (hg19) VCF-style: chr3-10183870-A-G.
Other names: c.339A>G, p.Arg113= (NM_001354723.2, NM_198156.3).
Identifiers: ClinVar variation 1441191 (VCV001441191.6), dbSNP rs2125125416, ClinGen allele CA432420690.
Genomic context (GRCh38, chr3:10,142,186, plus strand): 5'-CGAGCCGCAGCCCTACCCAACGCTGCCGCCTGGCACGGGCCGCCGCATCCACAGCTACCG[A>G]GGTACGGGCCCGGCGCTTAGGCCCGACCCAGCAGGGACGATAGCACGGTCTGAAGCCCCT-3'
Protein context (NP_000542.1, residues 103-123): PGTGRRIHSY[Arg113=]GHLWLFRDAG